The following is an entry in ClinVar:

ClinVar aggregate classification (germline): Conflicting classifications of pathogenicity. Review status: criteria provided, conflicting classifications (1 of 4 stars). 2 submissions from 2 submitters: Pathogenic (1); Uncertain significance (1). Last evaluated 2025-12-02.

Conditions:
Inborn genetic diseases. Identifiers: MedGen C0950123, MeSH D030342.

Submissions (2):

Ambry Genetics
Classification: Uncertain significance for Inborn genetic diseases. Last evaluated: 2025-12-02. Review status: criteria provided, single submitter. Criteria: Ambry Variant Classification Scheme 2023. Collection method: clinical testing. Allele origin: germline.
Comment: The c.3768_3770delTCT (p.L1257del) alteration is located in exon 32 (coding exon 32) of the PHIP gene. This alteration consists of an in-frame deletion of 3 nucleotides between nucleotide positions c.3768 and c.3770, resulting in the deletion of 1 residue. This variant was not reported in population-based cohorts in the Genome Aggregation Database (gnomAD). This amino acid position is highly conserved in available vertebrate species. This alteration is predicted to be deleterious by in silico analysis (Choi, 2012). Based on insufficient or conflicting evidence, the clinical significance of this alteration remains unclear.

GeneDx
Classification: Pathogenic. Last evaluated: 2025-02-13. Review status: criteria provided, single submitter. Criteria: GeneDx Variant Classification Process June 2021. Collection method: clinical testing. Allele origin: germline. Affected: yes.
Comment: In-frame deletion of one amino acid in a non-repeat region; Not observed at significant frequency in large population cohorts (gnomAD); In silico analysis supports a deleterious effect on protein structure/function; This variant is associated with the following publications: (PMID: 33057194, 35982159)

NM_017934.7(PHIP):c.3762TCT[2] (p.Leu1257del)

Genes: IRAK1BP1 (interleukin 1 receptor associated kinase 1 binding protein 1; plus strand), PHIP (PHIP subunit of CUL4-Ring ligase complex; minus strand). Cytogenetic location: 6q14.1.
Variant type: Microsatellite.
Coding change: c.3762TCT[2] on transcript NM_017934.7 (MANE Select); two copies in a row of the 3-base unit TCT starting at c.3762; the reference has three copies in a row; one copy, 3 bases deleted.
Protein change: p.Leu1257del; deletes leucine 1257.
Molecular consequence: inframe deletion.
Genome position (GRCh38, 1-based): chr6:78,958,487-78,958,489, AGA deleted on the plus strand (TCT on the coding strand, the reverse complement: PHIP is on the minus strand); deleting any 3 consecutive bases within chr6:78,958,487-78,958,495 gives the same sequence; the position shown is the placement nearest the transcript's 3' end. VCF-style (leftmost placement, unchanged base first): chr6-78958486-TAGA-T. GRCh37 (hg19) VCF-style: chr6-79668203-TAGA-T.
Other names: c.3768_3770delTCT (NM_017934.5); short protein forms L1257del.
Identifiers: ClinVar variation 4075463 (VCV004075463.2).
Genomic context (GRCh38, chr6:78,958,486, plus strand): 5'-GCCATTAATTATTAAAACTATCATAATTACATATGAAAAGATAACTTACTTTATAAAATG[TAGA>T]AGAAGATCAGTCACGAATTTAGCAGATTTCACAATAGGGCTTCCAGGCTCATTAAATGTT-3'